The following is an entry in ClinVar:

ClinVar aggregate classification (germline): Pathogenic/Likely pathogenic. Review status: criteria provided, multiple submitters, no conflicts (2 of 4 stars). 2 submissions from 2 submitters: Pathogenic (1); Likely pathogenic (1). Last evaluated 2024-12-20.

Conditions:
Dihydropteridine reductase deficiency (HPABH4C). Also called: Hyperphenylalaninemia due to dihydropteridine reductase deficiency; Hyperphenylalaninemia, BH-4-deficient, C; Phenylketonuria type 2; Phenylketonuria II; BH4-Deficient Hyperphenylalaninemia C; HYPERPHENYLALANINEMIA, TETRAHYDROBIOPTERIN-DEFICIENT, DUE TO DHPR DEFICIENCY. Identifiers: Orphanet 226, Orphanet 238583, MedGen C0268465, MONDO:0009862, OMIM 261630.

Allele frequency attached by ClinVar (database versions not stated): gnomAD exomes 0.00001; gnomAD 0.00003; ExAC 0.00001; TOPMed 0.00002.
gnomAD v4.1: 6 of 1,609,732 alleles (0.00037%); highest among the groups gnomAD compares: East Asian, 0.0022%; no homozygotes.

Submissions (2):

Women's Health and Genetics/Laboratory Corporation of America, LabCorp
Classification: Likely pathogenic for Dihydropteridine reductase deficiency. Last evaluated: 2024-12-20. Review status: criteria provided, single submitter. Criteria: LabCorp Variant Classification Summary - May 2015. Collection method: clinical testing. Allele origin: germline.
Comment: Variant summary: QDPR c.49G>C (p.Gly17Arg) results in a non-conservative amino acid change in the encoded protein sequence. Five of five in-silico tools predict a damaging effect of the variant on protein function. The variant allele was found at a frequency of 8.5e-06 in 234150 control chromosomes. c.49G>C has been reported in the literature in homozygous individuals affected with Dihydropteridine Reductase Deficiency (Romstad_2000, Al-Jasmi_2016). DHPR enzyme activity in one of these individuals was determined to be considerably decreased (Romstad_2000). These data indicate that the variant is likely to be associated with disease. The following publications have been ascertained in the context of this evaluation (PMID: 26589311, 11153907). ClinVar contains an entry for this variant (Variation ID: 623325). Based on the evidence outlined above, the variant was classified as likely pathogenic.

Department of Genetics, Sultan Qaboos University Hospital
Classification: Pathogenic for Dihydropteridine reductase deficiency. Last evaluated: 2024-06-12. Review status: criteria provided, single submitter. Criteria: ACMG Guidelines, 2015. Collection method: curation. Allele origin: unknown. Affected: yes.

Literature cited by the submitters: PubMed 26589311 (cited by Women's Health and Genetics/Laboratory Corporation of America, LabCorp); PubMed 11153907 (cited by Women's Health and Genetics/Laboratory Corporation of America, LabCorp).

NM_000320.3(QDPR):c.49G>C (p.Gly17Arg)

Genes: QDPR (quinoid dihydropteridine reductase; minus strand), LOC129992304 (ATAC-STARR-seq lymphoblastoid silent region 15310; plus strand). Cytogenetic location: 4p15.32.
Variant type: single nucleotide variant.
Coding change: c.49G>C on transcript NM_000320.3 (MANE Select); coding-DNA position 49, G replaced by C.
Protein change: p.Gly17Arg; replaces glycine 17 with arginine.
Molecular consequence: missense variant. On other transcripts: non-coding transcript variant (1).
Genome position (GRCh38, 1-based): chr4:17,512,006, C>G on the plus strand (G>C on the coding strand, the complement: QDPR is on the minus strand). VCF-style: chr4-17512006-C-G. GRCh37 (hg19) VCF-style: chr4-17513629-C-G.
Other names: c.49G>C, p.Gly17Arg (NM_001306140.2); short protein forms G17R.
Identifiers: ClinVar variation 623325 (VCV000623325.5), dbSNP rs757483045, ClinGen allele CA2868250.